The following is an entry in ClinVar:

ClinVar aggregate classification (germline): Uncertain significance (1 of 4 stars; one submission).

gnomAD v4.1: 1 of 1,614,000 alleles (0.000062%); no homozygotes.

Submission:

Labcorp Genetics (formerly Invitae), Labcorp
Classification: Uncertain significance. Last evaluated: 2025-12-02. Review status: criteria provided, single submitter. Criteria: Invitae Variant Classification Sherloc (09022015). Collection method: clinical testing. Allele origin: germline.
Comment: This sequence change replaces proline, which is neutral and non-polar, with alanine, which is neutral and non-polar, at codon 199 of the ZIC1 protein (p.Pro199Ala). This variant is not present in population databases (gnomAD no frequency). This variant has not been reported in the literature in individuals affected with ZIC1-related conditions. ClinVar contains an entry for this variant (Variation ID: 2105050). Invitae Evidence Modeling of protein sequence and biophysical properties (such as structural, functional, and spatial information, amino acid conservation, physicochemical variation, residue mobility, and thermodynamic stability) indicates that this missense variant is not expected to disrupt ZIC1 protein function with a negative predictive value of 80%. In summary, the available evidence is currently insufficient to determine the role of this variant in disease. Therefore, it has been classified as a Variant of Uncertain Significance.

NM_003412.4(ZIC1):c.595C>G (p.Pro199Ala)

Gene: ZIC1 (Zic family zinc finger 1; plus strand). Cytogenetic location: 3q24.
Variant type: single nucleotide variant.
Coding change: c.595C>G on transcript NM_003412.4 (MANE Select); coding-DNA position 595, C replaced by G.
Protein change: p.Pro199Ala; replaces proline 199 with alanine.
Molecular consequence: missense variant.
Genome position (GRCh38, 1-based): chr3:147,410,707, C>G. VCF-style: chr3-147410707-C-G. GRCh37 (hg19) VCF-style: chr3-147128494-C-G.
Other names: short protein forms P199A.
Identifiers: ClinVar variation 2105050 (VCV002105050.4), dbSNP rs1576469698, ClinGen allele CA354897032.